The following is an entry in ClinVar:

ClinVar aggregate classification (germline): Likely pathogenic (0 of 4 stars; one submission).

Conditions:
ENTPD1-related disorder. Also called: ENTPD1-related condition.

Submission:

PreventionGenetics, part of Exact Sciences
Classification: Likely pathogenic for ENTPD1-related condition. Last evaluated: 2024-06-12. Review status: no assertion criteria provided. Collection method: clinical testing. Allele origin: germline.
Comment: The ENTPD1 c.1018_1021delTACT variant is predicted to result in a frameshift and premature protein termination (p.Tyr340Profs*26). To our knowledge, this variant has not been reported in the literature or in a large population database, indicating this variant is rare. Frameshift variants in ENTPD1 are expected to be pathogenic. This variant is interpreted as likely pathogenic.

NM_001776.6(ENTPD1):c.1018_1021del (p.Tyr340fs)

Genes: ENTPD1 (ectonucleoside triphosphate diphosphohydrolase 1; plus strand), ENTPD1-AS1 (ENTPD1 antisense RNA 1; minus strand). Cytogenetic location: 10q24.1.
Variant type: Deletion.
Coding change: c.1018_1021del on transcript NM_001776.6 (MANE Select); coding-DNA positions 1018 to 1021, 4 bases deleted (TACT; older notation c.1018_1021delTACT).
Protein change: p.Tyr340fs; shifts the reading frame from tyrosine 340.
Molecular consequence: frameshift variant.
Genome position (GRCh38, 1-based): chr10:95,847,650-95,847,653, TACT deleted; deleting any 4 consecutive bases within chr10:95,847,648-95,847,653 gives the same sequence; the c. name uses the placement nearest the transcript's 3' end. VCF-style (leftmost placement, unchanged base first): chr10-95847647-CCTTA-C. GRCh37 (hg19) VCF-style: chr10-97607404-CCTTA-C.
Other names: c.1039_1042del, p.Tyr347fs (NM_001098175.2); c.1054_1057del, p.Tyr352fs (NM_001164178.1, NM_001320916.1); c.895_898del, p.Tyr299fs (NM_001164179.2); c.694_697del, p.Tyr232fs (NM_001164181.1, NM_001312654.1); c.604_607del, p.Tyr202fs (NM_001164182.2, NM_001164183.2); short protein forms Y202fs, Y232fs, Y299fs, Y340fs, Y347fs, Y352fs.
Identifiers: ClinVar variation 3345590 (VCV003345590.1).